The following is an entry in ClinVar:

NM_022489.4(INF2):c.2996G>A (p.Gly999Asp)

Gene: INF2 (inverted formin 2; plus strand). Cytogenetic location: 14q32.33.
Variant type: single nucleotide variant.
Coding change: c.2996G>A on transcript NM_022489.4 (MANE Select); coding-DNA position 2996, G replaced by A.
Protein change: p.Gly999Asp; replaces glycine 999 with aspartic acid.
Molecular consequence: missense variant. On other transcripts: non-coding transcript variant (1).
Genome position (GRCh38, 1-based): chr14:104,713,562, G>A. VCF-style: chr14-104713562-G-A. GRCh37 (hg19) VCF-style: chr14-105179899-G-A.
Other names: c.2996G>A, p.Gly999Asp (NM_001031714.4, NM_001426862.1, NM_001426863.1 and 2 more transcripts); short protein forms G999D.
Identifiers: ClinVar variation 4782929 (VCV004782929.1).

ClinVar aggregate classification (germline): Uncertain significance (1 of 4 stars; one submission).

Conditions:
Focal segmental glomerulosclerosis 5 (FSGS5). Identifiers: Orphanet 656, MedGen C2750475, MONDO:0013191, OMIM 613237.
Charcot-Marie-Tooth disease dominant intermediate E. Also called: CHARCOT-MARIE-TOOTH NEUROPATHY WITH FOCAL SEGMENTAL GLOMERULONEPHRITIS. Identifiers: Orphanet 93114, MedGen C4302667, MONDO:0013758, OMIM 614455.

gnomAD v4.1: 3 of 1,612,378 alleles (0.00019%); highest among the groups gnomAD compares: Non-Finnish European, 0.00025%; no homozygotes.

Submission:

Labcorp Genetics (formerly Invitae), Labcorp
Classification: Uncertain significance for Charcot-Marie-Tooth disease dominant intermediate E; Focal segmental glomerulosclerosis 5. Last evaluated: 2025-09-21. Review status: criteria provided, single submitter. Criteria: Invitae Variant Classification Sherloc (09022015). Collection method: clinical testing. Allele origin: germline.
Comment: This sequence change replaces glycine, which is neutral and non-polar, with aspartic acid, which is acidic and polar, at codon 999 of the INF2 protein (p.Gly999Asp). This variant is not present in population databases (gnomAD no frequency). This variant has not been reported in the literature in individuals affected with INF2-related conditions. Invitae Evidence Modeling of protein sequence and biophysical properties (such as structural, functional, and spatial information, amino acid conservation, physicochemical variation, residue mobility, and thermodynamic stability) indicates that this missense variant is not expected to disrupt INF2 protein function with a negative predictive value of 95%. In summary, the available evidence is currently insufficient to determine the role of this variant in disease. Therefore, it has been classified as a Variant of Uncertain Significance.